The following is an entry in ClinVar:

NM_001079.4(ZAP70):c.1255G>A (p.Gly419Ser)

Gene: ZAP70 (zeta chain of T cell receptor associated protein kinase 70; plus strand). Cytogenetic location: 2q11.2.
Variant type: single nucleotide variant.
Coding change: c.1255G>A on transcript NM_001079.4 (MANE Select); coding-DNA position 1255, G replaced by A.
Protein change: p.Gly419Ser; replaces glycine 419 with serine.
Molecular consequence: missense variant.
Genome position (GRCh38, 1-based): chr2:97,735,422, G>A. VCF-style: chr2-97735422-G-A. GRCh37 (hg19) VCF-style: chr2-98351885-G-A.
Other names: c.1255G>A, p.Gly419Ser (NM_001378594.1); c.334G>A, p.Gly112Ser (NM_207519.2); short protein forms G419S, G112S.
Identifiers: ClinVar variation 1476611 (VCV001476611.6), dbSNP rs1197809501, ClinGen allele CA347802132.

ClinVar aggregate classification (germline): Uncertain significance (1 of 4 stars; one submission).

Conditions:
Combined immunodeficiency due to ZAP70 deficiency (IMD48). Also called: ZAP70 Deficiency; Immunodeficiency 48. Identifiers: Orphanet 911, MedGen C2931299, MONDO:0010023, OMIM 269840.

Allele frequency attached by ClinVar (database versions not stated): gnomAD 0.00001; TOPMed below 0.00001.
gnomAD v4.1: 1 of 1,613,396 alleles (0.000062%); highest among the groups gnomAD compares: Non-Finnish European, 0.000085%; no homozygotes.

Submission:

Labcorp Genetics (formerly Invitae), Labcorp
Classification: Uncertain significance for Combined immunodeficiency due to ZAP70 deficiency. Last evaluated: 2021-02-17. Review status: criteria provided, single submitter. Criteria: Invitae Variant Classification Sherloc (09022015). Collection method: clinical testing. Allele origin: germline.
Comment: In summary, the available evidence is currently insufficient to determine the role of this variant in disease. Therefore, it has been classified as a Variant of Uncertain Significance. Algorithms developed to predict the effect of missense changes on protein structure and function output the following: SIFT: "Not Available"; PolyPhen-2: "Benign"; Align-GVGD: "Not Available". The serine amino acid residue is found in multiple mammalian species, suggesting that this missense change does not adversely affect protein function. These predictions have not been confirmed by published functional studies and their clinical significance is uncertain. This variant has not been reported in the literature in individuals with ZAP70-related conditions. This variant is not present in population databases (ExAC no frequency). This sequence change replaces glycine with serine at codon 419 of the ZAP70 protein (p.Gly419Ser). The glycine residue is moderately conserved and there is a small physicochemical difference between glycine and serine.